The following is an entry in ClinVar:

ClinVar aggregate classification (germline): Benign. Review status: criteria provided, multiple submitters, no conflicts (2 of 4 stars). 2 submissions from 2 submitters: Benign (2). Last evaluated 2017-04-27.

Conditions:
X-linked lymphoproliferative disease due to XIAP deficiency. Also called: XIAP DEFICIENCY; XIAP-Related Lymphoproliferative Disease, X-Linked. Identifiers: Orphanet 2442, Orphanet 538934, MedGen C1845076, MONDO:0010385, OMIM 300635.

Allele frequency attached by ClinVar (database versions not stated): gnomAD exomes 0.56543 and 0.57099; ExAC 0.57972; 1000 Genomes Project 0.58464; 1000 Genomes Project 30x 0.58606; gnomAD 0.59444; TOPMed 0.59640.

Submissions (2):

Illumina Laboratory Services, Illumina
Classification: Benign for X-linked lymphoproliferative disease due to XIAP deficiency. Last evaluated: 2017-04-27. Review status: criteria provided, single submitter. Criteria: ICSL Variant Classification Criteria 13 December 2019. Collection method: clinical testing. Allele origin: germline.
Comment: This variant was observed as part of a predisposition screen in an ostensibly healthy population. A literature search was performed for the gene, cDNA change, and amino acid change (where applicable). No publications were found based on this search. Allele frequency data from public databases was too high to be consistent with this variant causing disease. Therefore, this variant is classified as benign.

Breakthrough Genomics
Classification: Benign. Review status: criteria provided, single submitter. Criteria: ACMG Guidelines, 2015. Collection method: not provided. Allele origin: germline. Inheritance: X-linked inheritance. Affected: yes.

NM_001167.4(XIAP):c.*5241A>T

Gene: XIAP (X-linked inhibitor of apoptosis; plus strand). Cytogenetic location: Xq25.
Variant type: single nucleotide variant.
Coding change: c.*5241A>T on transcript NM_001167.4 (MANE Select); 5241 bases downstream of the stop codon, A replaced by T.
Molecular consequence: 3 prime UTR variant. On other transcripts: non-coding transcript variant (2).
Genome position (GRCh38, 1-based): chrX:123,912,422, A>T. VCF-style: chrX-123912422-A-T. GRCh37 (hg19) VCF-style: chrX-123046272-A-T.
Other names: c.*5241A>T (NM_001204401.2, NM_001378590.1, NM_001378591.1 and 1 more transcripts).
Identifiers: ClinVar variation 367848 (VCV000367848.6), dbSNP rs5958343, ClinGen allele CA10508410.